The following is an entry in ClinVar:

ClinVar aggregate classification (germline): Benign/Likely benign. Review status: criteria provided, multiple submitters, no conflicts (2 of 4 stars). 12 submissions from 9 submitters: Benign (7); Likely benign (4). 1 of the submissions does not count toward it. Last evaluated 2026-03-27.

Conditions:
Cardiovascular phenotype. Identifiers: MedGen CN230736.
TTN-related disorder. Also called: TTN-related disorders; TTN-related condition; TTN-related disease.
Autosomal recessive limb-girdle muscular dystrophy type 2J (LGMDR10). Also called: Limb-girdle muscular dystrophy, type 2J; MUSCULAR DYSTROPHY, LIMB-GIRDLE, AUTOSOMAL RECESSIVE 10. Identifiers: Orphanet 140922, MedGen C1837342, MONDO:0012127, OMIM 608807.
Dilated cardiomyopathy 1G (CMD1G). Identifiers: Orphanet 154, MedGen C1858763, MONDO:0011400, OMIM 604145.
Tibial muscular dystrophy (TMD). Also called: Udd Distal Myopathy – Tibial Muscular Dystrophy; UDD MYOPATHY; Tibial muscular dystrophy, tardive. Identifiers: Orphanet 609, MedGen C1838244, MONDO:0010870, OMIM 600334.
Myopathy, myofibrillar, 9, with early respiratory failure (MFM9). Also called: EDSTROM MYOPATHY; MYOPATHY, PROXIMAL, WITH EARLY RESPIRATORY MUSCLE INVOLVEMENT; Hereditary myopathy with early respiratory failure; Myopathy, distal, with early respiratory failure, autosomal dominant. Identifiers: Orphanet 178464, Orphanet 34521, MedGen C1863599, MONDO:0011362, OMIM 603689.
Early-onset myopathy with fatal cardiomyopathy (CMYO5). Also called: Salih Myopathy; CONGENITAL MYOPATHY 5 WITH CARDIOMYOPATHY. Identifiers: Orphanet 289377, MedGen C2673677, MONDO:0012714, OMIM 611705. Disease mechanism: loss of function.

Allele frequency attached by ClinVar (database versions not stated): gnomAD below 0.00001 and 0.00015; TOPMed 0.00003; gnomAD exomes 0.00031 and 0.00068; 1000 Genomes Project 30x 0.00078; ExAC 0.00082; 1000 Genomes Project 0.00100.
gnomAD v4.1: 467 of 1,608,662 alleles (0.029%); highest among the groups gnomAD compares: South Asian, 0.49%; 7 homozygotes.

Submissions (12):

Molecular Diagnostic Laboratory for Inherited Cardiovascular Disease, Montreal Heart Institute
Classification: Likely benign. Last evaluated: 2026-03-27. Review status: criteria provided, single submitter. Criteria: ACMG Guidelines, 2015. Collection method: clinical testing. Allele origin: germline. Affected: no.
Comment: BS1;BP1

Labcorp Genetics (formerly Invitae), Labcorp
Classification: Benign for Dilated cardiomyopathy 1G; Autosomal recessive limb-girdle muscular dystrophy type 2J. Last evaluated: 2025-11-27. Review status: criteria provided, single submitter. Criteria: Invitae Variant Classification Sherloc (09022015). Collection method: clinical testing. Allele origin: germline.

CeGaT Center for Human Genetics Tuebingen
Classification: Likely benign. Last evaluated: 2025-01-01. Review status: criteria provided, single submitter. Criteria: CeGaT Center For Human Genetics Tuebingen Variant Classification Criteria Version 2. Collection method: clinical testing. Allele origin: germline. Affected: yes. Observed: 1 variant allele.
Comment: TTN: BP4, BS2

Genome-Nilou Lab
Classification: Benign for Autosomal recessive limb-girdle muscular dystrophy type 2J. Last evaluated: 2021-09-10. Review status: criteria provided, single submitter. Criteria: ACMG Guidelines, 2015. Collection method: clinical testing. Allele origin: germline. Affected: no.

Genome-Nilou Lab
Classification: Benign for Myopathy, myofibrillar, 9, with early respiratory failure. Last evaluated: 2021-09-10. Review status: criteria provided, single submitter. Criteria: ACMG Guidelines, 2015. Collection method: clinical testing. Allele origin: germline. Affected: no.

Genome-Nilou Lab
Classification: Benign for Early-onset myopathy with fatal cardiomyopathy. Last evaluated: 2021-09-10. Review status: criteria provided, single submitter. Criteria: ACMG Guidelines, 2015. Collection method: clinical testing. Allele origin: germline. Affected: no.

Genome-Nilou Lab
Classification: Benign for Tibial muscular dystrophy. Last evaluated: 2021-09-10. Review status: criteria provided, single submitter. Criteria: ACMG Guidelines, 2015. Collection method: clinical testing. Allele origin: germline. Affected: no.

Laboratory for Molecular Medicine, Mass General Brigham Personalized Medicine
Classification: Benign. Last evaluated: 2019-12-23. Review status: criteria provided, single submitter. Criteria: LMM Criteria. Collection method: clinical testing. Allele origin: germline. Observed: 2 variant alleles.
Comment: The p.Glu14763Gln variant in TTN is classified as benign because it has been identified in 0.5% (162/29828) of South Asian chromosomes and 5 homozygotes by gnomAD. ACMG/AMP Criteria applied: BA1.

GeneDx
Classification: Benign. Last evaluated: 2018-12-11. Review status: criteria provided, single submitter. Criteria: GeneDx Variant Classification Process June 2021. Collection method: clinical testing. Allele origin: germline. Affected: yes.

Ambry Genetics
Classification: Likely benign for Cardiovascular phenotype. Last evaluated: 2016-02-25. Review status: criteria provided, single submitter. Criteria: Ambry Variant Classification Scheme 2023. Collection method: clinical testing. Allele origin: germline.

Eurofins Ntd Llc (ga)
Classification: Likely benign. Last evaluated: 2015-10-02. Review status: criteria provided, single submitter. Criteria: EGL Classification Definitions 2015. Collection method: clinical testing. Allele origin: germline. Observed: 1 variant allele, 1 heterozygote.

PreventionGenetics, part of Exact Sciences
Classification: Likely benign for TTN-related condition. Last evaluated: 2022-03-02. Review status: no assertion criteria provided. Collection method: clinical testing. Allele origin: germline. Not counted in ClinVar's aggregate classification.
Comment: This variant is classified as likely benign based on ACMG/AMP sequence variant interpretation guidelines (Richards et al. 2015 PMID: 25741868, with internal and published modifications).

NM_001267550.2(TTN):c.51991G>C (p.Glu17331Gln)

Genes: TTN (titin; minus strand), TTN-AS1 (TTN antisense RNA 1; plus strand). Cytogenetic location: 2q31.2.
Variant type: single nucleotide variant.
Coding change: c.51991G>C on transcript NM_001267550.2 (MANE Select); coding-DNA position 51991, G replaced by C.
Protein change: p.Glu17331Gln; replaces glutamic acid 17331 with glutamine.
Molecular consequence: missense variant.
Genome position (GRCh38, 1-based): chr2:178,609,319, C>G on the plus strand (G>C on the coding strand, the complement: TTN is on the minus strand). VCF-style: chr2-178609319-C-G. GRCh37 (hg19) VCF-style: chr2-179474046-C-G.
Other names: c.47068G>C, p.Glu15690Gln (NM_001256850.1); c.24796G>C, p.Glu8266Gln (NM_003319.4); c.44287G>C, p.Glu14763Gln (NM_133378.4); c.25171G>C, p.Glu8391Gln (NM_133432.3); c.25372G>C, p.Glu8458Gln (NM_133437.4); short protein forms E14763Q, E15690Q, E17331Q, E8266Q, E8391Q, E8458Q.
Identifiers: ClinVar variation 283492 (VCV000283492.42), dbSNP rs547986881, ClinGen allele CA1994083.